The following is an entry in ClinVar:

NM_152703.5(SAMD9L):c.679G>C (p.Ala227Pro)

Gene: SAMD9L (sterile alpha motif domain containing 9 like; minus strand). Cytogenetic location: 7q21.2.
Variant type: single nucleotide variant.
Coding change: c.679G>C on transcript NM_152703.5 (MANE Select); coding-DNA position 679, G replaced by C.
Protein change: p.Ala227Pro; replaces alanine 227 with proline.
Molecular consequence: missense variant.
Genome position (GRCh38, 1-based): chr7:93,135,293, C>G on the plus strand (G>C on the coding strand, the complement: SAMD9L is on the minus strand). VCF-style: chr7-93135293-C-G. GRCh37 (hg19) VCF-style: chr7-92764606-C-G.
Other names: c.679G>C (NM_152703.2); c.679G>C, p.Ala227Pro (NM_001303496.3, NM_001303497.3, NM_001303498.3 and 5 more transcripts); short protein forms A227P.
Identifiers: ClinVar variation 2800595 (VCV002800595.4), dbSNP rs769221409, ClinGen allele CA4343834.
Genomic context (GRCh38, chr7:93,135,293, plus strand): 5'-CATGGGGTTTGTCCTTGACTCCAAAATGGATGGTGCCATTGGTGCGTGAATTCATACAAG[C>G]TGATGCAAATCGGAAGACTTCATTGCTGAATTTCATCTTAATGTCCACTTCCGTGGCTGT-3'
Protein context (NP_689916.2, residues 217-237): FSNEVFRFAS[Ala227Pro]CMNSRTNGTI

ClinVar aggregate classification (germline): Uncertain significance. Review status: criteria provided, multiple submitters, no conflicts (2 of 4 stars). 2 submissions from 2 submitters: Uncertain significance (2). Last evaluated 2024-12-04.

Conditions:
Inborn genetic diseases. Identifiers: MedGen C0950123, MeSH D030342.

Allele frequency attached by ClinVar (database versions not stated): ExAC 0.00002.
gnomAD v4.1: 5 of 1,614,142 alleles (0.00031%); highest among the groups gnomAD compares: Non-Finnish European, 0.00042%; no homozygotes.

Submissions (2):

Ambry Genetics
Classification: Uncertain significance for Inborn genetic diseases. Last evaluated: 2024-12-04. Review status: criteria provided, single submitter. Criteria: Ambry Variant Classification Scheme 2023. Collection method: clinical testing. Allele origin: germline.
Comment: The p.A227P variant (also known as c.679G>C), located in coding exon 1 of the SAMD9L gene, results from a G to C substitution at nucleotide position 679. The alanine at codon 227 is replaced by proline, an amino acid with highly similar properties. This amino acid position is conserved. In addition, the in silico prediction for this alteration is inconclusive. Based on the available evidence, the clinical significance of this variant remains unclear.

Labcorp Genetics (formerly Invitae), Labcorp
Classification: Uncertain significance. Last evaluated: 2023-07-07. Review status: criteria provided, single submitter. Criteria: Invitae Variant Classification Sherloc (09022015). Collection method: clinical testing. Allele origin: germline.
Comment: In summary, the available evidence is currently insufficient to determine the role of this variant in disease. Therefore, it has been classified as a Variant of Uncertain Significance. An algorithm developed to predict the effect of missense changes on protein structure and function (PolyPhen-2) suggests that this variant is likely to be disruptive. This variant has not been reported in the literature in individuals affected with SAMD9L-related conditions. This variant is present in population databases (rs769221409, gnomAD 0.003%). This sequence change replaces alanine, which is neutral and non-polar, with proline, which is neutral and non-polar, at codon 227 of the SAMD9L protein (p.Ala227Pro).